The following is an entry in ClinVar:

NM_001036.6(RYR3):c.13802T>C (p.Leu4601Pro)

Genes: AVEN (apoptosis and caspase activation inhibitor; minus strand), RYR3 (ryanodine receptor 3; plus strand). Cytogenetic location: 15q14.
Variant type: single nucleotide variant.
Coding change: c.13802T>C on transcript NM_001036.6 (MANE Select); coding-DNA position 13802, T replaced by C.
Protein change: p.Leu4601Pro; replaces leucine 4601 with proline.
Molecular consequence: missense variant.
Genome position (GRCh38, 1-based): chr15:33,854,391, T>C. VCF-style: chr15-33854391-T-C. GRCh37 (hg19) VCF-style: chr15-34146592-T-C.
Other names: c.13787T>C, p.Leu4596Pro (NM_001243996.4); short protein forms L4596P, L4601P.
Identifiers: ClinVar variation 846636 (VCV000846636.9), dbSNP rs1014332640, ClinGen allele CA268613989.

ClinVar aggregate classification (germline): Uncertain significance (1 of 4 stars; one submission).

Conditions:
Epileptic encephalopathy. Identifiers: MedGen C0543888, HP:0200134.

Allele frequency attached by ClinVar (database versions not stated): gnomAD exomes below 0.00001; gnomAD 0.00002 and 0.00003; TOPMed 0.00003.
gnomAD v4.1: 4 of 1,571,880 alleles (0.00025%); highest among the groups gnomAD compares: African/African-American, 0.0054%; no homozygotes.

Submission:

Labcorp Genetics (formerly Invitae), Labcorp
Classification: Uncertain significance for Epileptic encephalopathy. Last evaluated: 2019-02-05. Review status: criteria provided, single submitter. Criteria: Invitae Variant Classification Sherloc (09022015). Collection method: clinical testing. Allele origin: germline.
Comment: This sequence change replaces leucine with proline at codon 4601 of the RYR3 protein (p.Leu4601Pro). The leucine residue is highly conserved and there is a moderate physicochemical difference between leucine and proline. This variant is not present in population databases (ExAC no frequency). This variant has not been reported in the literature in individuals with RYR3-related conditions. Algorithms developed to predict the effect of missense changes on protein structure and function are either unavailable or do not agree on the potential impact of this missense change (SIFT: "Deleterious"; PolyPhen-2: "Possibly Damaging"; Align-GVGD: "Class C0"). In summary, the available evidence is currently insufficient to determine the role of this variant in disease. Therefore, it has been classified as a Variant of Uncertain Significance.